The following is an entry in ClinVar:

ClinVar aggregate classification (germline): Likely pathogenic (1 of 4 stars; one submission).

Conditions:
Peroxisome biogenesis disorder. Identifiers: Orphanet 79189, MedGen C1832200, MONDO:0019234. Disease mechanism: loss of function.

Submission:

Labcorp Genetics (formerly Invitae), Labcorp
Classification: Likely pathogenic for Peroxisome biogenesis disorder. Last evaluated: 2021-08-10. Review status: criteria provided, single submitter. Criteria: Invitae Variant Classification Sherloc (09022015). Collection method: clinical testing. Allele origin: germline.
Comment: In summary, the currently available evidence indicates that the variant is pathogenic, but additional data are needed to prove that conclusively. Therefore, this variant has been classified as Likely Pathogenic. Algorithms developed to predict the effect of missense changes on protein structure and function are either unavailable or do not agree on the potential impact of this missense change (SIFT: "Not Available"; PolyPhen-2: "Probably Damaging"; Align-GVGD: "Not Available"). A different variant (c.2435G>A) giving rise to the same protein effect has been determined to be pathogenic (PMID: 10408779, 15542397, 19877282, 31374812). This suggests that this variant is also likely to be causative of disease. The frequency data for this variant in the population databases is not available, as this variant may be reported as separate entries in the ExAC database. This sequence change replaces arginine with glutamine at codon 812 of the PEX6 protein (p.Arg812Gln). The arginine residue is highly conserved and there is a small physicochemical difference between arginine and glutamine.

Literature cited by the submitters: PubMed 10408779; PubMed 15542397; PubMed 19877282; PubMed 31374812.

NM_000287.4(PEX6):c.2435_2436delinsAA (p.Arg812Gln)

Gene: PEX6 (peroxisomal biogenesis factor 6; minus strand). Cytogenetic location: 6p21.1.
Variant type: Indel.
Coding change: c.2435_2436delinsAA on transcript NM_000287.4 (MANE Select); coding-DNA positions 2435 to 2436, GG replaced by AA.
Protein change: p.Arg812Gln; replaces arginine 812 with glutamine.
Molecular consequence: missense variant. On other transcripts: non-coding transcript variant (1).
Genome position (GRCh38, 1-based): chr6:42,965,716-42,965,717, CC replaced by TT on the plus strand (GG replaced by AA on the coding strand, the reverse complement: PEX6 is on the minus strand). VCF-style: chr6-42965716-CC-TT. GRCh37 (hg19) VCF-style: chr6-42933454-CC-TT.
Other names: c.2171_2172delinsAA, p.Arg724Gln (NM_001316313.2); short protein forms R724Q, R812Q.
Identifiers: ClinVar variation 1505494 (VCV001505494.6), dbSNP rs2114238521, ClinGen allele CA2573140747.
Genomic context (GRCh38, chr6:42,965,716, plus strand): 5'-CTTTCATTCCCACTCAGACCCCTACCTGTCCATCACTCCTCCAGAATCTCCACTTCGCCC[CC>TT]GGCTTGGGGCCAAAGAGTCCAGTTCATCAAAGAAGATAATGCATGGAGCTGCAGCCCTGG-3'
Protein context (NP_000278.3, residues 802-822): FDELDSLAPS[Arg812Gln]GRSGDSGGVM